The following is an entry in ClinVar:

Conditions:
Breast-ovarian cancer, familial, susceptibility to, 1 (BROVCA1). Also called: BRCA1 Hereditary Breast and Ovarian Cancer; OVARIAN CANCER, SUSCEPTIBILITY TO. Identifiers: Orphanet 145, MedGen C2676676, MONDO:0011450, OMIM 604370. Disease mechanism: loss of function.

Submission:

Brotman Baty Institute, University of Washington
No classification provided (evidence only). Condition: Breast-ovarian cancer, familial 1. Review status: no classification provided. Collection method: in vitro. Allele origin: not applicable. Functional consequence: functionally_normal.
ClinVar note: "not provided" was previously submitted as the classification for the variant. However, the classification appeared to be based only on an observation of functional data so it was converted to no classification on 2025-07-30.

NM_007294.4(BRCA1):c.-19T>G

Gene: BRCA1 (BRCA1 DNA repair associated; minus strand). Cytogenetic location: 17q21.31.
Variant type: single nucleotide variant.
Coding change: c.-19T>G on transcript NM_007294.4 (MANE Select); 19 bases upstream of the start codon, T replaced by G.
Molecular consequence: 5 prime UTR variant. On other transcripts: non-coding transcript variant (1).
Genome position (GRCh38, 1-based): chr17:43,124,115, A>C on the plus strand (T>G on the coding strand, the complement: BRCA1 is on the minus strand). VCF-style: chr17-43124115-A-C. GRCh37 (hg19) VCF-style: chr17-41276132-A-C.
Other names: c.-207T>G (NM_001407571.1, NM_001407853.1, NM_001407879.1 and 42 more transcripts); c.-19T>G (NM_001407581.1, NM_001407582.1, NM_001407583.1 and 169 more transcripts); c.-276T>G (NM_001407694.1, NM_001407724.1, NM_001407727.1 and 11 more transcripts); c.-280T>G (NM_001407695.1, NM_001408465.1); c.-421T>G (NM_001407696.1); c.-305T>G (NM_001407697.1, NM_001407846.1, NM_001407920.1); c.-106T>G (NM_001407698.1, NM_001407732.1, NM_001407736.1 and 21 more transcripts); c.-279T>G (NM_001407725.1, NM_001407730.1, NM_001407734.1 and 22 more transcripts); and 8 more.
Identifiers: ClinVar variation 868643 (VCV000868643.3), dbSNP rs2055751504, ClinGen allele CA916081173.